The following is an entry in ClinVar:

NM_014244.5(ADAMTS2):c.664G>A (p.Gly222Arg)

Gene: ADAMTS2 (ADAM metallopeptidase with thrombospondin type 1 motif 2; minus strand). Cytogenetic location: 5q35.3.
Variant type: single nucleotide variant.
Coding change: c.664G>A on transcript NM_014244.5 (MANE Select); coding-DNA position 664, G replaced by A.
Protein change: p.Gly222Arg; replaces glycine 222 with arginine.
Molecular consequence: missense variant.
Genome position (GRCh38, 1-based): chr5:179,272,935, C>T on the plus strand (G>A on the coding strand, the complement: ADAMTS2 is on the minus strand). VCF-style: chr5-179272935-C-T. GRCh37 (hg19) VCF-style: chr5-178699936-C-T.
Other names: c.664G>A (NM_014244.4); c.664G>A, p.Gly222Arg (NM_021599.4); short protein forms G222R.
Identifiers: ClinVar variation 2195093 (VCV002195093.2), dbSNP rs777752024, ClinGen allele CA3596237.

ClinVar aggregate classification (germline): Uncertain significance. Review status: criteria provided, multiple submitters, no conflicts (2 of 4 stars). 2 submissions from 2 submitters: Uncertain significance (2). Last evaluated 2025-08-25.

Conditions:
Inborn genetic diseases. Identifiers: MedGen C0950123, MeSH D030342.
Ehlers-Danlos syndrome, dermatosparaxis type. Also called: EDS VIIC; Dermatosparaxis; Ehlers-Danlos syndrome, type VII, autosomal recessive. Identifiers: Orphanet 1901, MedGen C2700425, MONDO:0009161, OMIM 225410.

Allele frequency attached by ClinVar (database versions not stated): ExAC 0.00002.
gnomAD v4.1: 8 of 1,611,018 alleles (0.0005%); highest among the groups gnomAD compares: South Asian, 0.0044%; no homozygotes.

Submissions (2):

Ambry Genetics
Classification: Uncertain significance for Inborn genetic diseases. Last evaluated: 2025-08-25. Review status: criteria provided, single submitter. Criteria: Ambry Variant Classification Scheme 2023. Collection method: clinical testing. Allele origin: germline.

Labcorp Genetics (formerly Invitae), Labcorp
Classification: Uncertain significance for Ehlers-Danlos syndrome, dermatosparaxis type. Last evaluated: 2021-12-29. Review status: criteria provided, single submitter. Criteria: Invitae Variant Classification Sherloc (09022015). Collection method: clinical testing. Allele origin: germline.
Comment: This sequence change replaces glycine, which is neutral and non-polar, with arginine, which is basic and polar, at codon 222 of the ADAMTS2 protein (p.Gly222Arg). This variant is present in population databases (rs777752024, gnomAD 0.006%). This variant has not been reported in the literature in individuals affected with ADAMTS2-related conditions. Algorithms developed to predict the effect of missense changes on protein structure and function output the following: SIFT: "Tolerated"; PolyPhen-2: "Benign"; Align-GVGD: "Class C0". The arginine amino acid residue is found in multiple mammalian species, which suggests that this missense change does not adversely affect protein function. Algorithms developed to predict the effect of sequence changes on RNA splicing suggest that this variant may create or strengthen a splice site. In summary, the available evidence is currently insufficient to determine the role of this variant in disease. Therefore, it has been classified as a Variant of Uncertain Significance.